The following is an entry in ClinVar:

NM_001277058.2(ERCC6):c.2609G>A (p.Arg870Gln)

Genes: ERCC6 (ERCC excision repair 6, chromatin remodeling factor; minus strand), PGBD3 (piggyBac transposable element derived 3; minus strand). Cytogenetic location: 10q11.23.
Variant type: single nucleotide variant.
Coding change: c.2609G>A on transcript NM_001277058.2 (MANE Plus Clinical); coding-DNA position 2609, G replaced by A.
Protein change: p.Arg870Gln; replaces arginine 870 with glutamine.
Molecular consequence: missense variant. On other transcripts: intron variant (2).
Genome position (GRCh38, 1-based): chr10:49,515,910, C>T on the plus strand (G>A on the coding strand, the complement: ERCC6 is on the minus strand). VCF-style: chr10-49515910-C-T. GRCh37 (hg19) VCF-style: chr10-50723956-C-T.
Other names: c.2609G>A, p.Arg870Gln (NM_001277059.2); c.1205G>A, p.Arg402Gln (NM_170753.3); c.1397+8123G>A (NM_001346440.2, NM_000124.4); short protein forms R402Q, R870Q.
Identifiers: ClinVar variation 1712917 (VCV001712917.3), dbSNP rs200697187, ClinGen allele CA5496115.

ClinVar aggregate classification (germline): Uncertain significance (1 of 4 stars; one submission).

Allele frequency attached by ClinVar (database versions not stated): gnomAD 0.00010; gnomAD exomes 0.00013; 1000 Genomes Project 0.00020; ExAC 0.00028; TOPMed 0.00004; 1000 Genomes Project 30x 0.00031.
gnomAD v4.1: 204 of 1,614,138 alleles (0.013%); highest among the groups gnomAD compares: South Asian, 0.18%; 2 homozygotes.

Submission:

GeneDx
Classification: Uncertain significance. Last evaluated: 2022-12-14. Review status: criteria provided, single submitter. Criteria: GeneDx Variant Classification Process June 2021. Collection method: clinical testing. Allele origin: germline.
Comment: In silico analysis supports that this variant does not alter splicing; Has not been previously published as pathogenic or benign to our knowledge; Reported using an alternate transcript of the gene